The following is an entry in ClinVar:

NM_182641.4(BPTF):c.36C>G (p.Pro12=)

Gene: BPTF (bromodomain PHD finger transcription factor; plus strand). Cytogenetic location: 17q24.2.
Variant type: single nucleotide variant.
Coding change: c.36C>G on transcript NM_182641.4 (MANE Select); coding-DNA position 36, C replaced by G.
Protein change: p.Pro12=; no amino-acid change (proline 12 retained).
Molecular consequence: synonymous variant.
Genome position (GRCh38, 1-based): chr17:67,825,760, C>G. VCF-style: chr17-67825760-C-G. GRCh37 (hg19) VCF-style: chr17-65821876-C-G.
Other names: c.36C>G, p.Pro12= (NM_004459.7); c.36C>G (NM_182641.3).
Identifiers: ClinVar variation 1290490 (VCV001290490.10), dbSNP rs868242186, ClinGen allele CA293236418.

ClinVar aggregate classification (germline): Benign/Likely benign. Review status: criteria provided, multiple submitters, no conflicts (2 of 4 stars). 5 submissions from 5 submitters: Benign (3); Likely benign (1). 1 of the submissions does not count toward it. Last evaluated 2026-01-24.

Conditions:
Neurodevelopmental disorder with dysmorphic facies and distal limb anomalies. Identifiers: Orphanet 686482, MedGen C4540327, MONDO:0060596, OMIM 617755.
BPTF-related disorder. Also called: BPTF-related condition.

Allele frequency attached by ClinVar (database versions not stated): gnomAD 0.02432 and 0.02285; 1000 Genomes Project 30x 0.02951.
gnomAD v4.1: 5,017 of 1,046,566 alleles (0.48%); highest among the groups gnomAD compares: African/African-American, 7.9%; 210 homozygotes.

Submissions (5):

Labcorp Genetics (formerly Invitae), Labcorp
Classification: Benign. Last evaluated: 2026-01-24. Review status: criteria provided, single submitter. Criteria: Invitae Variant Classification Sherloc (09022015). Collection method: clinical testing. Allele origin: germline.

Fulgent Genetics
Classification: Likely benign for Neurodevelopmental disorder with dysmorphic facies and distal limb anomalies. Last evaluated: 2021-08-06. Review status: criteria provided, single submitter. Criteria: ACMG Guidelines, 2015. Collection method: clinical testing. Allele origin: unknown.

GeneDx
Classification: Benign. Last evaluated: 2019-08-19. Review status: criteria provided, single submitter. Criteria: GeneDx Variant Classification Process June 2021. Collection method: clinical testing. Allele origin: germline. Affected: yes.

Breakthrough Genomics
Classification: Benign. Review status: criteria provided, single submitter. Criteria: ACMG Guidelines, 2015. Collection method: not provided. Allele origin: germline. Inheritance: Autosomal dominant inheritance. Affected: yes.

PreventionGenetics, part of Exact Sciences
Classification: Benign for BPTF-related condition. Last evaluated: 2024-01-30. Review status: no assertion criteria provided. Collection method: clinical testing. Allele origin: germline. Not counted in ClinVar's aggregate classification.
Comment: This variant is classified as benign based on ACMG/AMP sequence variant interpretation guidelines (Richards et al. 2015 PMID: 25741868, with internal and published modifications).